The following is an entry in ClinVar:

ClinVar aggregate classification (germline): Uncertain significance (1 of 4 stars; one submission).

gnomAD v4.1: 1 of 1,613,854 alleles (0.000062%); no homozygotes.

Submission:

Labcorp Genetics (formerly Invitae), Labcorp
Classification: Uncertain significance. Last evaluated: 2021-11-22. Review status: criteria provided, single submitter. Criteria: Invitae Variant Classification Sherloc (09022015). Collection method: clinical testing. Allele origin: germline.
Comment: This sequence change replaces proline, which is neutral and non-polar, with threonine, which is neutral and polar, at codon 465 of the ATF6 protein (p.Pro465Thr). This variant is not present in population databases (gnomAD no frequency). This variant has not been reported in the literature in individuals affected with ATF6-related conditions. Algorithms developed to predict the effect of missense changes on protein structure and function are either unavailable or do not agree on the potential impact of this missense change (SIFT: "Deleterious"; PolyPhen-2: "Probably Damaging"; Align-GVGD: "Class C0"). In summary, the available evidence is currently insufficient to determine the role of this variant in disease. Therefore, it has been classified as a Variant of Uncertain Significance.

NM_007348.4(ATF6):c.1393C>A (p.Pro465Thr)

Gene: ATF6 (activating transcription factor 6; plus strand). Cytogenetic location: 1q23.3.
Variant type: single nucleotide variant.
Coding change: c.1393C>A on transcript NM_007348.4 (MANE Select); coding-DNA position 1393, C replaced by A.
Protein change: p.Pro465Thr; replaces proline 465 with threonine.
Molecular consequence: missense variant.
Genome position (GRCh38, 1-based): chr1:161,851,795, C>A. VCF-style: chr1-161851795-C-A. GRCh37 (hg19) VCF-style: chr1-161821585-C-A.
Other names: short protein forms P465T.
Identifiers: ClinVar variation 1490342 (VCV001490342.6), dbSNP rs764225071, ClinGen allele CA343380690.